The following is an entry in ClinVar:

NM_002880.4(RAF1):c.1528C>T (p.Leu510Phe)

Gene: RAF1 (Raf-1 proto-oncogene, serine/threonine kinase; minus strand). Cytogenetic location: 3p25.2.
Variant type: single nucleotide variant.
Coding change: c.1528C>T on transcript NM_002880.4 (MANE Select); coding-DNA position 1528, C replaced by T.
Protein change: p.Leu510Phe; replaces leucine 510 with phenylalanine.
Molecular consequence: missense variant. On other transcripts: non-coding transcript variant (3).
Genome position (GRCh38, 1-based): chr3:12,585,689, G>A on the plus strand (C>T on the coding strand, the complement: RAF1 is on the minus strand). VCF-style: chr3-12585689-G-A. GRCh37 (hg19) VCF-style: chr3-12627188-G-A.
Other names: c.1588C>T, p.Leu530Phe (NM_001354689.3); c.1528C>T, p.Leu510Phe (NM_001354690.3); c.1285C>T, p.Leu429Phe (NM_001354691.3, NM_001354692.3); c.1429C>T, p.Leu477Phe (NM_001354693.3); c.1345C>T, p.Leu449Phe (NM_001354694.3); c.1186C>T, p.Leu396Phe (NM_001354695.3); short protein forms L510F, L429F, L530F, L449F, L396F, L477F.
Identifiers: ClinVar variation 44621 (VCV000044621.5), dbSNP rs397516816, ClinGen allele CA134702.

ClinVar aggregate classification (germline): Uncertain significance (1 of 4 stars; one submission).

Allele frequency attached by ClinVar (database versions not stated): gnomAD exomes below 0.00001.
gnomAD v4.1: 1 of 1,612,806 alleles (0.000062%); highest among the groups gnomAD compares: Non-Finnish European, 0.000085%; no homozygotes.

Submission:

Laboratory for Molecular Medicine, Mass General Brigham Personalized Medicine
Classification: Uncertain significance. Last evaluated: 2010-08-18. Review status: criteria provided, single submitter. Criteria: LMM Criteria. Collection method: clinical testing. Allele origin: germline. Observed: 1 variant allele.
Comment: The Leu510Phe variant has not been previously reported in the literature or been identified in our laboratory in over 900 Caucasian chromosomes analyzed. The Le u510 residue is completely conserved across species and some computational analy ses (PolyPhen, SIFT) suggest that this variant may impact the normal function of the protein. However, this information is not predictive enough to assume that this variant is responsible for the clinical features observed in this individua l. In summary, the clinical significance of this variant cannot be determined wi th certainty at this time; however based upon the arguments described above, we lean towards a more likely pathogenic role.